The following is an entry in ClinVar:

NC_000004.12:g.(?_54274831)_(54295306_?)dup

Gene: PDGFRA (platelet derived growth factor receptor alpha; plus strand). Cytogenetic location: 4q12.
Variant type: Duplication.
Identifiers: ClinVar variation 830556 (VCV000830556.2).

ClinVar aggregate classification (germline): Uncertain significance (1 of 4 stars; one submission).

Conditions:
Gastrointestinal stromal tumor. Also called: Gastrointestinal stromal tumor, somatic; Gastrointestinal stroma tumor. Identifiers: Orphanet 44890, MedGen C0238198, MeSH D046152, MONDO:0011719, OMIM 606764, HP:0100723.

Submission:

Labcorp Genetics (formerly Invitae), Labcorp
Classification: Uncertain significance for Gastrointestinal stromal tumor. Last evaluated: 2022-10-31. Review status: criteria provided, single submitter. Criteria: Invitae Variant Classification Sherloc (09022015). Collection method: clinical testing. Allele origin: germline.
Comment: This variant results in a copy number gain of the genomic region encompassing exon(s) 12-23 of the PDGFRA gene. This region includes the termination codon of the gene. This copy number gain extends beyond the assayed region for this gene and therefore may encompass additional genes. As the precise location of this event is unknown, it may be in tandem or it may be located elsewhere in the genome. This variant has not been reported in the literature in individuals affected with PDGFRA-related conditions. In summary, the available evidence is currently insufficient to determine the role of this variant in disease. Therefore, it has been classified as a Variant of Uncertain Significance.